The following is an entry in ClinVar:

ClinVar aggregate classification (germline): Conflicting classifications of pathogenicity. Review status: criteria provided, conflicting classifications (1 of 4 stars). 6 submissions from 6 submitters: Uncertain significance (1); Likely benign (5). Last evaluated 2026-04-13.

Conditions:
PGM1-related disorder. Also called: PGM1-related condition; PGM1-related disorders.
PGM1-congenital disorder of glycosylation. Also called: Congenital disorder of glycosylation type 1t; PHOSPHOGLUCOMUTASE 1 DEFICIENCY; PGM1 DEFICIENCY; GLYCOGEN STORAGE DISEASE XIV; GSD XIV; CDG It. Identifiers: Orphanet 319646, MedGen C2752015, MONDO:0013968, OMIM 614921.

Allele frequency attached by ClinVar (database versions not stated): gnomAD exomes 0.00005 and 0.00006; ExAC 0.00007; gnomAD 0.00015 and 0.00016; 1000 Genomes Project 30x 0.00016; TOPMed 0.00018; 1000 Genomes Project 0.00020; ESP Exome Variant Server 0.00031.
gnomAD v4.1: 104 of 1,614,116 alleles (0.0064%); highest among the groups gnomAD compares: Middle Eastern, 0.066%; no homozygotes.

Submissions (6):

PreventionGenetics, part of Exact Sciences
Classification: Likely benign for PGM1-related condition. Last evaluated: 2026-04-13. Review status: criteria provided, single submitter. Criteria: ACMG Guidelines, 2015. Collection method: clinical testing. Allele origin: germline.
Comment: This variant is classified as likely benign based on ACMG/AMP sequence variant interpretation guidelines (Richards et al. 2015 PMID: 25741868, with internal and published modifications).

Labcorp Genetics (formerly Invitae), Labcorp
Classification: Likely benign for PGM1-congenital disorder of glycosylation. Last evaluated: 2025-11-21. Review status: criteria provided, single submitter. Criteria: Invitae Variant Classification Sherloc (09022015). Collection method: clinical testing. Allele origin: germline.

CeGaT Center for Human Genetics Tuebingen
Classification: Likely benign. Last evaluated: 2024-03-01. Review status: criteria provided, single submitter. Criteria: CeGaT Center For Human Genetics Tuebingen Variant Classification Criteria Version 2. Collection method: clinical testing. Allele origin: germline. Affected: yes. Observed: 1 variant allele.
Comment: PGM1: BP4, BP7

Blueprint Genetics
Classification: Likely benign. Last evaluated: 2023-12-22. Review status: criteria provided, single submitter. Criteria: ACMG Guidelines, 2015. Collection method: clinical testing. Allele origin: germline.

Illumina Laboratory Services, Illumina
Classification: Uncertain significance for PGM1-congenital disorder of glycosylation. Last evaluated: 2018-01-13. Review status: criteria provided, single submitter. Criteria: ICSL Variant Classification Criteria 13 December 2019. Collection method: clinical testing. Allele origin: germline.

GeneDx
Classification: Likely benign. Last evaluated: 2016-12-09. Review status: criteria provided, single submitter. Criteria: GeneDx Variant Classification (06012015). Collection method: clinical testing. Allele origin: germline. Affected: yes.
Comment: This variant is considered likely benign or benign based on one or more of the following criteria: it is a conservative change, it occurs at a poorly conserved position in the protein, it is predicted to be benign by multiple in silico algorithms, and/or has population frequency not consistent with disease.

NM_002633.3(PGM1):c.900T>C (p.His300=)

Gene: PGM1 (phosphoglucomutase 1; plus strand). Cytogenetic location: 1p31.3.
Variant type: single nucleotide variant.
Coding change: c.900T>C on transcript NM_002633.3 (MANE Select); coding-DNA position 900, T replaced by C.
Protein change: p.His300=; no amino-acid change (histidine 300 retained).
Molecular consequence: synonymous variant.
Genome position (GRCh38, 1-based): chr1:63,636,260, T>C. VCF-style: chr1-63636260-T-C. GRCh37 (hg19) VCF-style: chr1-64101931-T-C.
Other names: c.954T>C, p.His318= (NM_001172818.1); c.309T>C, p.His103= (NM_001172819.2).
Identifiers: ClinVar variation 297878 (VCV000297878.41), dbSNP rs145807501, ClinGen allele CA889660.